The following is an entry in ClinVar:

ClinVar aggregate classification (germline): Uncertain significance (1 of 4 stars; one submission).

Conditions:
Hereditary cancer-predisposing syndrome. Also called: Neoplastic Syndromes, Hereditary; Tumor predisposition; Hereditary Cancer Syndrome; Hereditary neoplastic syndrome. Identifiers: Orphanet 140162, MedGen C0027672, MeSH D009386, MONDO:0015356.

Submission:

Ambry Genetics
Classification: Uncertain significance for Hereditary cancer-predisposing syndrome. Last evaluated: 2025-10-03. Review status: criteria provided, single submitter. Criteria: Ambry Variant Classification Scheme 2023. Collection method: clinical testing. Allele origin: germline.
Comment: The p.T686I variant (also known as c.2057C>T), located in coding exon 12 of the ALK gene, results from a C to T substitution at nucleotide position 2057. The threonine at codon 686 is replaced by isoleucine, an amino acid with similar properties. This amino acid position is conserved. In addition, this alteration is predicted to be deleterious by in silico analysis. Based on the available evidence, the clinical significance of this variant remains unclear.

NM_004304.5(ALK):c.2057C>T (p.Thr686Ile)

Gene: ALK (ALK receptor tyrosine kinase; minus strand). Cytogenetic location: 2p23.2.
Variant type: single nucleotide variant.
Coding change: c.2057C>T on transcript NM_004304.5 (MANE Select); coding-DNA position 2057, C replaced by T.
Protein change: p.Thr686Ile; replaces threonine 686 with isoleucine.
Molecular consequence: missense variant.
Genome position (GRCh38, 1-based): chr2:29,251,252, G>A on the plus strand (C>T on the coding strand, the complement: ALK is on the minus strand). VCF-style: chr2-29251252-G-A. GRCh37 (hg19) VCF-style: chr2-29474118-G-A.
Other names: short protein forms T686I.
Identifiers: ClinVar variation 4673736 (VCV004673736.1).
Genomic context (GRCh38, chr2:29,251,252, plus strand): 5'-TGGTAGGCGTTGTTGCACTGTGCCTGGGTGGGGCCATGGGGCCCGCTGGCCCCACATGTG[G>A]TGAACAGCCAATGAACTGTGGCACAAGAGGAGAGGCAGTCACTCATGTGGCCAGGCCCTC-3'
Protein context (NP_004295.2, residues 676-696): IFDPTVHWLF[Thr686Ile]TCGASGPHGP